The following is an entry in ClinVar:

NM_020975.6(RET):c.2053G>T (p.Val685Phe)

Gene: RET (ret proto-oncogene; plus strand). Cytogenetic location: 10q11.21.
Variant type: single nucleotide variant.
Coding change: c.2053G>T on transcript NM_020975.6 (MANE Select); coding-DNA position 2053, G replaced by T.
Protein change: p.Val685Phe; replaces valine 685 with phenylalanine.
Molecular consequence: missense variant.
Genome position (GRCh38, 1-based): chr10:43,114,653, G>T. VCF-style: chr10-43114653-G-T. GRCh37 (hg19) VCF-style: chr10-43610101-G-T.
Other names: c.2053G>T, p.Val685Phe (NM_000323.2, NM_001406743.1, NM_001406744.1 and 4 more transcripts); c.1291G>T, p.Val431Phe (NM_001355216.2); c.1924G>T, p.Val642Phe (NM_001406761.1, NM_001406762.1, NM_001406764.1); c.1918G>T, p.Val640Phe (NM_001406763.1, NM_001406765.1); c.1765G>T, p.Val589Phe (NM_001406766.1, NM_001406767.1, NM_001406770.1); c.1789G>T, p.Val597Phe (NM_001406768.1); c.1657G>T, p.Val553Phe (NM_001406769.1, NM_001406772.1); c.1615G>T, p.Val539Phe (NM_001406771.1, NM_001406773.1); and 10 more; short protein forms V202F, V250F, V290F, V341F, V343F, V346F, V355F, V386F.
Identifiers: ClinVar variation 3227521 (VCV003227521.2), dbSNP rs753686782, ClinGen allele CA376553216.
Genomic context (GRCh38, chr10:43,114,653, plus strand): 5'-CACAAGCCACCCATCTCCTCAGCTGAGATGACCTTCCGGAGGCCCGCCCAGGCCTTCCCG[G>T]TCAGCTACTCCTCTTCCGGTGCCCGCCGGCCCTCGCTGGACTCCATGGAGAACCAGGTCT-3'
Protein context (NP_066124.1, residues 675-695): TFRRPAQAFP[Val685Phe]SYSSSGARRP

ClinVar aggregate classification (germline): Uncertain significance. Review status: criteria provided, multiple submitters, no conflicts (2 of 4 stars). 2 submissions from 2 submitters: Uncertain significance (2). Last evaluated 2025-03-10.

Conditions:
Hereditary cancer-predisposing syndrome. Also called: Neoplastic Syndromes, Hereditary; Tumor predisposition; Hereditary neoplastic syndrome; Hereditary Cancer Syndrome. Identifiers: Orphanet 140162, MedGen C0027672, MeSH D009386, MONDO:0015356.
Multiple endocrine neoplasia, type 2 (MEN2). Identifiers: Orphanet 653, MedGen C4048306, MONDO:0019003. Disease mechanism: gain of function.

Submissions (2):

Labcorp Genetics (formerly Invitae), Labcorp
Classification: Uncertain significance for Multiple endocrine neoplasia, type 2. Last evaluated: 2025-03-10. Review status: criteria provided, single submitter. Criteria: Invitae Variant Classification Sherloc (09022015). Collection method: clinical testing. Allele origin: germline.
Comment: This sequence change replaces valine, which is neutral and non-polar, with phenylalanine, which is neutral and non-polar, at codon 685 of the RET protein (p.Val685Phe). This variant is not present in population databases (gnomAD no frequency). This variant has not been reported in the literature in individuals affected with RET-related conditions. ClinVar contains an entry for this variant (Variation ID: 3227521). An algorithm developed to predict the effect of missense changes on protein structure and function (PolyPhen-2) suggests that this variant is likely to be tolerated. In summary, the available evidence is currently insufficient to determine the role of this variant in disease. Therefore, it has been classified as a Variant of Uncertain Significance.

Ambry Genetics
Classification: Uncertain significance for Hereditary cancer-predisposing syndrome. Last evaluated: 2023-12-21. Review status: criteria provided, single submitter. Criteria: Ambry Variant Classification Scheme 2023. Collection method: clinical testing. Allele origin: germline.
Comment: The p.V685F variant (also known as c.2053G>T), located in coding exon 11 of the RET gene, results from a G to T substitution at nucleotide position 2053. The valine at codon 685 is replaced by phenylalanine, an amino acid with highly similar properties. This amino acid position is conserved. In addition, this alteration is predicted to be tolerated by in silico analysis. Since supporting evidence is limited at this time, the clinical significance of this alteration remains unclear.